The following is an entry in ClinVar:

NM_002334.4(LRP4):c.218C>T (p.Pro73Leu)

Gene: LRP4 (LDL receptor related protein 4; minus strand). Cytogenetic location: 11p11.2.
Variant type: single nucleotide variant.
Coding change: c.218C>T on transcript NM_002334.4 (MANE Select); coding-DNA position 218, C replaced by T.
Protein change: p.Pro73Leu; replaces proline 73 with leucine.
Molecular consequence: missense variant.
Genome position (GRCh38, 1-based): chr11:46,900,360, G>A on the plus strand (C>T on the coding strand, the complement: LRP4 is on the minus strand). VCF-style: chr11-46900360-G-A. GRCh37 (hg19) VCF-style: chr11-46921911-G-A.
Other names: short protein forms P73L.
Identifiers: ClinVar variation 3899688 (VCV003899688.1).

ClinVar aggregate classification (germline): Uncertain significance (1 of 4 stars; one submission).

gnomAD v4.1: 1 of 1,612,154 alleles (0.000062%); highest among the groups gnomAD compares: Non-Finnish European, 0.000085%; no homozygotes.

Submission:

GeneDx
Classification: Uncertain significance. Last evaluated: 2024-11-13. Review status: criteria provided, single submitter. Criteria: GeneDx Variant Classification Process June 2021. Collection method: clinical testing. Allele origin: germline. Affected: yes.
Comment: Not observed at significant frequency in large population cohorts (gnomAD); In silico analysis supports that this missense variant has a deleterious effect on protein structure/function; Has not been previously published as pathogenic or benign to our knowledge